The following is an entry in ClinVar:

ClinVar aggregate classification (germline): Conflicting classifications of pathogenicity. Review status: criteria provided, conflicting classifications (1 of 4 stars). 6 submissions from 6 submitters: Uncertain significance (4); Likely benign (1). 1 of the submissions does not count toward it. Last evaluated 2022-11-30.

Conditions:
Inborn genetic diseases. Identifiers: MedGen C0950123, MeSH D030342.
Intellectual developmental disorder, autosomal recessive 13. Also called: Intellectual disability, autosomal recessive 13. Identifiers: Orphanet 88616, MedGen C2750791, MONDO:0013173, OMIM 613192.
Intellectual disability. Also called: Intellectual functioning disability; intellectual disabilities; Intellectual developmental disorder. Identifiers: MedGen C3714756, MeSH D008607, MONDO:0001071, HP:0001249.

Allele frequency attached by ClinVar (database versions not stated): TOPMed 0.00020; ExAC 0.00021; gnomAD 0.00024 and 0.00026; gnomAD exomes 0.00027 and 0.00040; ESP Exome Variant Server 0.00031.
gnomAD v4.1: 629 of 1,613,774 alleles (0.039%); highest among the groups gnomAD compares: Non-Finnish European, 0.05%; 1 homozygote.

Submissions (6):

Ambry Genetics
Classification: Likely benign for Inborn genetic diseases. Last evaluated: 2022-11-30. Review status: criteria provided, single submitter. Criteria: Ambry Variant Classification Scheme 2023. Collection method: clinical testing. Allele origin: germline.

Labcorp Genetics (formerly Invitae), Labcorp
Classification: Uncertain significance. Last evaluated: 2022-07-26. Review status: criteria provided, single submitter. Criteria: Invitae Variant Classification Sherloc (09022015). Collection method: clinical testing. Allele origin: germline.
Comment: This sequence change replaces alanine, which is neutral and non-polar, with threonine, which is neutral and polar, at codon 620 of the TRAPPC9 protein (p.Ala620Thr). This variant is present in population databases (rs148453804, gnomAD 0.05%). This variant has not been reported in the literature in individuals affected with TRAPPC9-related conditions. ClinVar contains an entry for this variant (Variation ID: 212417). Algorithms developed to predict the effect of missense changes on protein structure and function output the following: SIFT: "Not Available"; PolyPhen-2: "Benign"; Align-GVGD: "Not Available". The threonine amino acid residue is found in multiple mammalian species, which suggests that this missense change does not adversely affect protein function. In summary, the available evidence is currently insufficient to determine the role of this variant in disease. Therefore, it has been classified as a Variant of Uncertain Significance.

GeneDx
Classification: Uncertain significance. Last evaluated: 2021-07-16. Review status: criteria provided, single submitter. Criteria: GeneDx Variant Classification Process June 2021. Collection method: clinical testing. Allele origin: germline. Affected: yes.
Comment: Has not been previously published as pathogenic or benign to our knowledge; In silico analysis supports that this missense variant does not alter protein structure/function; This variant is associated with the following publications: (PMID: 27535533)

Baylor Genetics
Classification: Uncertain significance for Intellectual developmental disorder, autosomal recessive 13. Last evaluated: 2018-02-05. Review status: criteria provided, single submitter. Criteria: ACMG Guidelines, 2015. Collection method: clinical testing. Allele origin: maternal. Affected: yes.
Comment: This variant was determined to be of uncertain significance according to ACMG Guidelines, 2015 [PMID:25741868].

Genetic Services Laboratory, University of Chicago
Classification: Uncertain significance. Last evaluated: 2015-03-04. Review status: criteria provided, single submitter. Criteria: ACMG Guidelines, 2015. Collection method: clinical testing. Allele origin: germline.

Centre de Biologie Pathologie Génétique, Centre Hospitalier Universitaire de Lille
Classification: Likely benign for Intellectual disability. Last evaluated: 2019-01-01. Review status: no assertion criteria provided. Collection method: clinical testing. Allele origin: inherited. Affected: yes. Not counted in ClinVar's aggregate classification.

NM_001160372.4(TRAPPC9):c.1564G>A (p.Ala522Thr)

Gene: TRAPPC9 (trafficking protein particle complex subunit 9; minus strand). Cytogenetic location: 8q24.3.
Variant type: single nucleotide variant.
Coding change: c.1564G>A on transcript NM_001160372.4 (MANE Select); coding-DNA position 1564, G replaced by A.
Protein change: p.Ala522Thr; replaces alanine 522 with threonine.
Molecular consequence: missense variant. On other transcripts: non-coding transcript variant (1).
Genome position (GRCh38, 1-based): chr8:140,311,306, C>T on the plus strand (G>A on the coding strand, the complement: TRAPPC9 is on the minus strand). VCF-style: chr8-140311306-C-T. GRCh37 (hg19) VCF-style: chr8-141321405-C-T.
Other names: c.1537G>A, p.Ala513Thr (NM_001321646.2); c.1585G>A, p.Ala529Thr (NM_001374682.1); c.1564G>A, p.Ala522Thr (NM_001374683.1, NM_031466.8); c.1420G>A, p.Ala474Thr (NM_001374684.1); short protein forms A620T, A522T, A513T, A474T, A529T.
Identifiers: ClinVar variation 212417 (VCV000212417.14), dbSNP rs148453804, ClinGen allele CA206977.